The following is an entry in ClinVar:

ClinVar aggregate classification (germline): Uncertain significance. Review status: criteria provided, multiple submitters, no conflicts (2 of 4 stars). 6 submissions from 6 submitters: Uncertain significance (5). 1 of the submissions does not count toward it. Last evaluated 2024-05-03.

Conditions:
Hereditary cancer-predisposing syndrome. Also called: Hereditary Cancer Syndrome; Neoplastic Syndromes, Hereditary; Tumor predisposition; Hereditary neoplastic syndrome. Identifiers: Orphanet 140162, MedGen C0027672, MeSH D009386, MONDO:0015356.
Microcephaly, normal intelligence and immunodeficiency (NBS). Also called: BERLIN BREAKAGE SYNDROME; Ataxia telangiectasia variant V1; IMMUNODEFICIENCY, MICROCEPHALY, AND CHROMOSOMAL INSTABILITY; SEEMANOVA SYNDROME II; Nijmegen breakage syndrome; Microcephaly with normal intelligence immunodeficiency and lymphoreticular malignancies. Identifiers: Orphanet 647, MedGen C0398791, MONDO:0009623, OMIM 251260.

gnomAD v4.1: 5 of 1,612,930 alleles (0.00031%); highest among the groups gnomAD compares: Non-Finnish European, 0.00042%; no homozygotes.

Submissions (6):

Quest Diagnostics Nichols Institute San Juan Capistrano
Classification: Uncertain significance. Last evaluated: 2024-05-03. Review status: criteria provided, single submitter. Criteria: Quest Diagnostics criteria. Collection method: clinical testing. Allele origin: unknown.
Comment: The NBN c.1448T>C (p.Ile483Thr) variant has not been reported in individuals with NBN-related conditions in the published literature. It also has not been reported in large, multi-ethnic general populations (Genome Aggregation Database). Analysis of this variant using bioinformatics tools for the prediction of the effect of amino acid changes on protein structure and function yielded predictions that this variant is benign. Based on the available information, we are unable to determine the clinical significance of this variant.

Labcorp Genetics (formerly Invitae), Labcorp
Classification: Uncertain significance for Microcephaly, normal intelligence and immunodeficiency. Last evaluated: 2024-04-08. Review status: criteria provided, single submitter. Criteria: Invitae Variant Classification Sherloc (09022015). Collection method: clinical testing. Allele origin: germline.
Comment: This sequence change replaces isoleucine, which is neutral and non-polar, with threonine, which is neutral and polar, at codon 483 of the NBN protein (p.Ile483Thr). This variant is not present in population databases (gnomAD no frequency). This variant has not been reported in the literature in individuals affected with NBN-related conditions. ClinVar contains an entry for this variant (Variation ID: 230042). Algorithms developed to predict the effect of missense changes on protein structure and function output the following: SIFT: "Not Available"; PolyPhen-2: "Benign"; Align-GVGD: "Not Available". The threonine amino acid residue is found in multiple mammalian species, which suggests that this missense change does not adversely affect protein function. In summary, the available evidence is currently insufficient to determine the role of this variant in disease. Therefore, it has been classified as a Variant of Uncertain Significance.

Ambry Genetics
Classification: Uncertain significance for Hereditary cancer-predisposing syndrome. Last evaluated: 2023-11-29. Review status: criteria provided, single submitter. Criteria: Ambry Variant Classification Scheme 2023. Collection method: clinical testing. Allele origin: germline.
Comment: The p.I483T variant (also known as c.1448T>C), located in coding exon 11 of the NBN gene, results from a T to C substitution at nucleotide position 1448. The isoleucine at codon 483 is replaced by threonine, an amino acid with similar properties. This amino acid position is poorly conserved in available vertebrate species. In addition, this alteration is predicted to be tolerated by in silico analysis. Since supporting evidence is limited at this time, the clinical significance of this alteration remains unclear.

Genome-Nilou Lab
Classification: Uncertain significance for Microcephaly, normal intelligence and immunodeficiency. Last evaluated: 2021-11-07. Review status: criteria provided, single submitter. Criteria: ACMG Guidelines, 2015. Collection method: clinical testing. Allele origin: germline. Affected: no.

GeneDx
Classification: Uncertain significance. Last evaluated: 2020-10-20. Review status: criteria provided, single submitter. Criteria: GeneDx Variant Classification Process June 2021. Collection method: clinical testing. Allele origin: germline. Affected: yes.
Comment: Not observed in large population cohorts (Lek et al., 2016); In silico analysis supports that this missense variant does not alter protein structure/function; Has not been previously published as pathogenic or benign to our knowledge; This variant is associated with the following publications: (PMID: 26315354)

Natera, Inc.
Classification: Uncertain significance for Nijmegen breakage syndrome. Last evaluated: 2020-09-08. Review status: no assertion criteria provided. Collection method: clinical testing. Allele origin: germline. Not counted in ClinVar's aggregate classification.

NM_002485.5(NBN):c.1448T>C (p.Ile483Thr)

Gene: NBN (nibrin; minus strand). Cytogenetic location: 8q21.3.
Variant type: single nucleotide variant.
Coding change: c.1448T>C on transcript NM_002485.5 (MANE Select); coding-DNA position 1448, T replaced by C.
Protein change: p.Ile483Thr; replaces isoleucine 483 with threonine.
Molecular consequence: missense variant.
Genome position (GRCh38, 1-based): chr8:89,953,641, A>G on the plus strand (T>C on the coding strand, the complement: NBN is on the minus strand). VCF-style: chr8-89953641-A-G. GRCh37 (hg19) VCF-style: chr8-90965869-A-G.
Other names: c.1202T>C, p.Ile401Thr (NM_001024688.3); short protein forms I483T, I401T.
Identifiers: ClinVar variation 230042 (VCV000230042.26), dbSNP rs876658347, ClinGen allele CA10578763.